The following is an entry in ClinVar:

NM_001369769.2(KIFC2):c.600G>T (p.Gln200His)

Gene: KIFC2 (kinesin family member C2; plus strand). Cytogenetic location: 8q24.3.
Variant type: single nucleotide variant.
Coding change: c.600G>T on transcript NM_001369769.2 (MANE Select); coding-DNA position 600, G replaced by T.
Protein change: p.Gln200His; replaces glutamine 200 with histidine.
Molecular consequence: missense variant.
Genome position (GRCh38, 1-based): chr8:144,467,615, G>T. VCF-style: chr8-144467615-G-T. GRCh37 (hg19) VCF-style: chr8-145692998-G-T.
Other names: c.600G>T, p.Gln200His (NM_145754.5); short protein forms Q200H.
Identifiers: ClinVar variation 2658986 (VCV002658986.24), dbSNP rs144598500, ClinGen allele CA4944467.

ClinVar aggregate classification (germline): Likely benign (1 of 4 stars; one submission).

Allele frequency attached by ClinVar (database versions not stated): 1000 Genomes Project 0.00120; 1000 Genomes Project 30x 0.00125; ExAC 0.00308; gnomAD 0.00343; TOPMed 0.00356; ESP Exome Variant Server 0.00477.
gnomAD v4.1: 8,549 of 1,596,162 alleles (0.54%); highest among the groups gnomAD compares: Non-Finnish European, 0.68%; 37 homozygotes.

Submission:

CeGaT Center for Human Genetics Tuebingen
Classification: Likely benign. Last evaluated: 2022-12-01. Review status: criteria provided, single submitter. Criteria: CeGaT Center For Human Genetics Tuebingen Variant Classification Criteria Version 2. Collection method: clinical testing. Allele origin: germline. Affected: yes. Observed: 1 variant allele.
Comment: KIFC2: BP4, BS2